The following is an entry in ClinVar:

ClinVar aggregate classification (germline): Uncertain significance (1 of 4 stars; one submission).

Conditions:
Oligodontia-cancer predisposition syndrome. Also called: TOOTH AGENESIS-COLORECTAL CANCER SYNDROME. Identifiers: Orphanet 300576, MedGen C1837750, MONDO:0012075, OMIM 608615. Disease mechanism: loss of function.

Submission:

Labcorp Genetics (formerly Invitae), Labcorp
Classification: Uncertain significance for Oligodontia-cancer predisposition syndrome. Last evaluated: 2024-04-10. Review status: criteria provided, single submitter. Criteria: Invitae Variant Classification Sherloc (09022015). Collection method: clinical testing. Allele origin: germline.
Comment: This sequence change replaces glycine, which is neutral and non-polar, with alanine, which is neutral and non-polar, at codon 214 of the AXIN2 protein (p.Gly214Ala). This variant is not present in population databases (gnomAD no frequency). This variant has not been reported in the literature in individuals affected with AXIN2-related conditions. ClinVar contains an entry for this variant (Variation ID: 1373482). Advanced modeling of protein sequence and biophysical properties (such as structural, functional, and spatial information, amino acid conservation, physicochemical variation, residue mobility, and thermodynamic stability) performed at Invitae indicates that this missense variant is not expected to disrupt AXIN2 protein function with a negative predictive value of 80%. In summary, the available evidence is currently insufficient to determine the role of this variant in disease. Therefore, it has been classified as a Variant of Uncertain Significance.

NM_004655.4(AXIN2):c.641G>C (p.Gly214Ala)

Gene: AXIN2 (axin 2; minus strand). Cytogenetic location: 17q24.1.
Variant type: single nucleotide variant.
Coding change: c.641G>C on transcript NM_004655.4 (MANE Select); coding-DNA position 641, G replaced by C.
Protein change: p.Gly214Ala; replaces glycine 214 with alanine.
Molecular consequence: missense variant.
Genome position (GRCh38, 1-based): chr17:65,557,980, C>G on the plus strand (G>C on the coding strand, the complement: AXIN2 is on the minus strand). VCF-style: chr17-65557980-C-G. GRCh37 (hg19) VCF-style: chr17-63554098-C-G.
Other names: c.641G>C, p.Gly214Ala (NM_001363813.1); short protein forms G214A.
Identifiers: ClinVar variation 1373482 (VCV001373482.8), dbSNP rs1419378216, ClinGen allele CA400680586.